The following is an entry in ClinVar:

ClinVar aggregate classification (germline): Benign. Review status: criteria provided, multiple submitters, no conflicts (2 of 4 stars). 2 submissions from 2 submitters: Benign (2). Last evaluated 2017-04-27.

Conditions:
Congenital generalized lipodystrophy type 4. Also called: BERARDINELLI-SEIP CONGENITAL LIPODYSTROPHY, TYPE 4, WITH MUSCULAR DYSTROPHY. Identifiers: Orphanet 228429, MedGen C2750069, MONDO:0013225, OMIM 613327.

Allele frequency attached by ClinVar (database versions not stated): TOPMed 0.82939; 1000 Genomes Project 30x 0.84416; 1000 Genomes Project 0.85323; gnomAD exomes 0.95690.
gnomAD v4.1: 127,622 of 152,238 alleles (84%); highest among the groups gnomAD compares: East Asian, 99%; 54,704 homozygotes.

Submissions (2):

Illumina Laboratory Services, Illumina
Classification: Benign for Congenital generalized lipodystrophy type 4. Last evaluated: 2017-04-27. Review status: criteria provided, single submitter. Criteria: ICSL Variant Classification Criteria 13 December 2019. Collection method: clinical testing. Allele origin: germline.
Comment: This variant was observed as part of a predisposition screen in an ostensibly healthy population. A literature search was performed for the gene, cDNA change, and amino acid change (where applicable). No publications were found based on this search. Allele frequency data from public databases was too high to be consistent with this variant causing disease. Therefore, this variant is classified as benign.

Breakthrough Genomics
Classification: Benign. Review status: criteria provided, single submitter. Criteria: ACMG Guidelines, 2015. Collection method: not provided. Allele origin: germline. Inheritance: Autosomal recessive inheritance. Affected: yes.

NM_012232.6(CAVIN1):c.*1591T>G

Gene: CAVIN1 (caveolae associated protein 1; minus strand). Cytogenetic location: 17q21.2.
Variant type: single nucleotide variant.
Coding change: c.*1591T>G on transcript NM_012232.6 (MANE Select); 1591 bases downstream of the stop codon, T replaced by G.
Molecular consequence: 3 prime UTR variant.
Genome position (GRCh38, 1-based): chr17:42,403,096, A>C on the plus strand (T>G on the coding strand, the complement: CAVIN1 is on the minus strand). VCF-style: chr17-42403096-A-C. GRCh37 (hg19) VCF-style: chr17-40555114-A-C.
Identifiers: ClinVar variation 323260 (VCV000323260.6), dbSNP rs4796582, ClinGen allele CA10649266.